The following is an entry in ClinVar:

ClinVar aggregate classification (germline): Uncertain significance (1 of 4 stars; one submission).

Conditions:
Cardiovascular phenotype. Identifiers: MedGen CN230736.

Allele frequency attached by ClinVar (database versions not stated): gnomAD exomes below 0.00001; TOPMed 0.00006; gnomAD 0.00007.
gnomAD v4.1: 12 of 1,549,910 alleles (0.00077%); highest among the groups gnomAD compares: African/African-American, 0.016%; no homozygotes.

Submission:

Ambry Genetics
Classification: Uncertain significance for Cardiovascular phenotype. Last evaluated: 2022-07-17. Review status: criteria provided, single submitter. Criteria: Ambry Variant Classification Scheme 2023. Collection method: clinical testing. Allele origin: germline.
Comment: The p.G882E variant (also known as c.2645G>A), located in coding exon 1 of the ZNF469 gene, results from a G to A substitution at nucleotide position 2645. The glycine at codon 882 is replaced by glutamic acid, an amino acid with similar properties. This amino acid position is conserved. In addition, this alteration is predicted to be tolerated by in silico analysis. Since supporting evidence is limited at this time, the clinical significance of this alteration remains unclear.

NM_001367624.2(ZNF469):c.2645G>A (p.Gly882Glu)

Gene: ZNF469 (zinc finger protein 469; plus strand). Cytogenetic location: 16q24.2.
Variant type: single nucleotide variant.
Coding change: c.2645G>A on transcript NM_001367624.2 (MANE Select); coding-DNA position 2645, G replaced by A.
Protein change: p.Gly882Glu; replaces glycine 882 with glutamic acid.
Molecular consequence: missense variant.
Genome position (GRCh38, 1-based): chr16:88,430,115, G>A. VCF-style: chr16-88430115-G-A. GRCh37 (hg19) VCF-style: chr16-88496523-G-A.
Other names: NM_001127464.1:c.2645G>A; short protein forms G882E.
Identifiers: ClinVar variation 1794240 (VCV001794240.2), dbSNP rs1044488020, ClinGen allele CA286373899.